The following is an entry in ClinVar:

NM_080680.3(COL11A2):c.3583-5T>C

Gene: COL11A2 (collagen type XI alpha 2 chain; minus strand). Cytogenetic location: 6p21.32.
Variant type: single nucleotide variant.
Coding change: c.3583-5T>C on transcript NM_080680.3 (MANE Select); 5 bases into the intron before coding-DNA position 3583, T replaced by C.
Molecular consequence: intron variant.
Genome position (GRCh38, 1-based): chr6:33,170,105, A>G on the plus strand (T>C on the coding strand, the complement: COL11A2 is on the minus strand). VCF-style: chr6-33170105-A-G. GRCh37 (hg19) VCF-style: chr6-33137882-A-G.
Other names: c.3262-5T>C (NM_080679.3); c.3325-5T>C (NM_080681.3).
Identifiers: ClinVar variation 356391 (VCV000356391.26), dbSNP rs183536190, ClinGen allele CA3750444.

ClinVar aggregate classification (germline): Benign/Likely benign. Review status: criteria provided, multiple submitters, no conflicts (2 of 4 stars). 12 submissions from 11 submitters: Benign (2); Likely benign (7). 3 of the submissions do not count toward it. Last evaluated 2026-01-31.

Conditions:
Connective tissue disorder. Also called: Connective tissue disease. Identifiers: MedGen C0009782, MONDO:0003900.
Fibrochondrogenesis 2 (FBCG2). Identifiers: Orphanet 2021, MedGen C3281128, MONDO:0013795, OMIM 614524.
Otospondylomegaepiphyseal dysplasia, autosomal recessive (OSMEDB). Also called: CHONDRODYSTROPHY WITH SENSORINEURAL DEAFNESS; Insley-Astley syndrome. Identifiers: Orphanet 1427, MedGen CN034493, MONDO:0044206, OMIM 215150.

Allele frequency attached by ClinVar (database versions not stated): gnomAD exomes 0.00017 and 0.00045; 1000 Genomes Project 0.00200; TOPMed 0.00207; gnomAD 0.00219 and 0.00199; 1000 Genomes Project 30x 0.00234; ExAC 0.00054; ESP Exome Variant Server 0.00107.
gnomAD v4.1: 559 of 1,612,910 alleles (0.035%); highest among the groups gnomAD compares: African/African-American, 0.69%; 4 homozygotes.

Submissions (12):

Labcorp Genetics (formerly Invitae), Labcorp
Classification: Benign. Last evaluated: 2026-01-31. Review status: criteria provided, single submitter. Criteria: Invitae Variant Classification Sherloc (09022015). Collection method: clinical testing. Allele origin: germline.

ARUP Laboratories, Molecular Genetics and Genomics, ARUP Laboratories
Classification: Likely benign. Last evaluated: 2025-02-25. Review status: criteria provided, single submitter. Criteria: ARUP Molecular Germline Variant Investigation Process 2024. Collection method: clinical testing. Allele origin: germline.

Blueprint Genetics
Classification: Likely benign. Last evaluated: 2024-11-26. Review status: criteria provided, single submitter. Criteria: ACMG Guidelines, 2015. Collection method: clinical testing. Allele origin: germline.

Genome Diagnostics Laboratory, The Hospital for Sick Children
Classification: Likely benign for Connective tissue disorder. Last evaluated: 2019-05-01. Review status: criteria provided, single submitter. Criteria: ACMG Guidelines, 2015. Collection method: clinical testing. Allele origin: germline.

Athena Diagnostics
Classification: Likely benign. Last evaluated: 2018-12-05. Review status: criteria provided, single submitter. Criteria: Athena Diagnostics Criteria. Collection method: clinical testing. Allele origin: germline.

Illumina Laboratory Services, Illumina
Classification: Likely benign for Otospondylomegaepiphyseal dysplasia, autosomal recessive. Last evaluated: 2018-01-12. Review status: criteria provided, single submitter. Criteria: ICSL Variant Classification Criteria 13 December 2019. Collection method: clinical testing. Allele origin: germline.
Comment: This variant was observed in the ICSL laboratory as part of a predisposition screen in an ostensibly healthy population. It had not been previously curated by ICSL or reported in the Human Gene Mutation Database (HGMD: prior to June 1st, 2018), and was therefore a candidate for classification through an automated scoring system. Utilizing variant allele frequency, disease prevalence and penetrance estimates, and inheritance mode, an automated score was calculated to assess if this variant is too frequent to cause the disease. Based on the score and internal cut-off values, a variant classified as likely benign is not then subjected to further curation. The score for this variant resulted in a classification of likely benign for this disease.

Illumina Laboratory Services, Illumina
Classification: Likely benign for Fibrochondrogenesis 2. Last evaluated: 2018-01-12. Review status: criteria provided, single submitter. Criteria: ICSL Variant Classification Criteria 13 December 2019. Collection method: clinical testing. Allele origin: germline.
Comment: the same text as in the submission from Illumina Laboratory Services, Illumina above.

Laboratory for Molecular Medicine, Mass General Brigham Personalized Medicine
Classification: Benign. Last evaluated: 2017-10-05. Review status: criteria provided, single submitter. Criteria: LMM Criteria. Collection method: clinical testing. Allele origin: germline. Observed: 2 variant alleles.
Comment: c.3583-5T>C in intron 48 of COL11A2: This variant is not expected to have clinic al significance because it has been identified in 0.7% (157/23038) of African ch romosomes including 1 homozygote by the Genome Aggregation Database (gnomAD; dbSNP rs183536190). ACMG/AMP Criteria applied: BA 1, BP7 (Richards 2015).

GeneDx
Classification: Likely benign. Last evaluated: 2017-03-20. Review status: criteria provided, single submitter. Criteria: GeneDx Variant Classification (06012015). Collection method: clinical testing. Allele origin: germline. Affected: yes.
Comment: This variant is considered likely benign or benign based on one or more of the following criteria: it is a conservative change, it occurs at a poorly conserved position in the protein, it is predicted to be benign by multiple in silico algorithms, and/or has population frequency not consistent with disease.

Clinical Genetics DNA and cytogenetics Diagnostics Lab, Erasmus MC, Erasmus Medical Center
Classification: Likely benign. Review status: no assertion criteria provided. Collection method: clinical testing. Allele origin: germline. Affected: yes. Study: VKGL Data-share Consensus. Not counted in ClinVar's aggregate classification.

Genome Diagnostics Laboratory, Amsterdam University Medical Center
Classification: Likely benign. Review status: no assertion criteria provided. Collection method: clinical testing. Allele origin: germline. Affected: yes. Study: VKGL Data-share Consensus. Not counted in ClinVar's aggregate classification.

Laboratory of Diagnostic Genome Analysis, Leiden University Medical Center (LUMC)
Classification: Likely benign. Review status: no assertion criteria provided. Collection method: clinical testing. Allele origin: germline. Affected: yes. Study: VKGL Data-share Consensus. Not counted in ClinVar's aggregate classification.